The following is an entry in ClinVar:

ClinVar aggregate classification (germline): Conflicting classifications of pathogenicity. Review status: criteria provided, conflicting classifications (1 of 4 stars). 5 submissions from 5 submitters: Pathogenic (1); Likely pathogenic (3); Uncertain significance (1). Last evaluated 2026-01-26.

Conditions:
Mucopolysaccharidosis, MPS-III-A (MPS3A). Also called: HEPARAN SULFATE SULFATASE DEFICIENCY; SANFILIPPO SYNDROME A; SULFAMIDASE DEFICIENCY; MPS III A; Mucopolysaccharidosis, type IIIA; MUCOPOLYSACCHARIDOSIS, TYPE IIIA, ATTENUATED. Identifiers: Orphanet 581, Orphanet 79269, MedGen C0086647, MONDO:0009655, OMIM 252900.

Allele frequency attached by ClinVar (database versions not stated): gnomAD exomes below 0.00001.
gnomAD v4.1: 3 of 1,613,020 alleles (0.00019%); highest among the groups gnomAD compares: Admixed American, 0.0017%; no homozygotes.

Submissions (5):

Natera, Inc.
Classification: Likely pathogenic for Mucopolysaccharidosis type IIIA. Last evaluated: 2026-01-26. Review status: criteria provided, single submitter. Criteria: Natera Variant Classification Schema (03/2026). Collection method: clinical testing. Allele origin: germline.
Comment: The c.535G>A variant in SGSH is a missense variant predicted to cause substitution of aspartic acid to asparagine at amino acid 179. This variant is rare in the general population with a frequency below the threshold expected for the associated phenotype(s). This variant has been observed in one or more individuals affected with the associated recessive disease, as either homozygous or compound heterozygous with a second variant (PMID: 10727844, 21204211, 27629047, 34991944). Functional studies show that this variant may disrupt protein function (PMID: 10727844). Computational prediction algorithms indicate this variant is likely to affect gene or protein function. Given the available evidence, this variant is classified as Likely Pathogenic.

Myriad Genetics, Inc.
Classification: Likely pathogenic for Mucopolysaccharidosis, MPS-III-A. Last evaluated: 2025-03-14. Review status: criteria provided, single submitter. Criteria: Myriad Autosomal Dominant, Autosomal Recessive and X-Linked Classification Criteria (2023). Collection method: clinical testing. Allele origin: unknown.
Comment: NM_000199.3(SGSH):c.535G>A(D179N) is a missense variant classified as likely pathogenic in the context of mucopolysaccharidosis type IIIA. D179N has been observed in cases with relevant disease (PMID: 21204211, 34991944, 9554748, 27629047). Relevant functional assessments of this variant are available in the literature (PMID: 10727844). D179N has been observed in referenced population frequency databases. In summary, NM_000199.3(SGSH):c.535G>A(D179N) is a missense variant that has functional support for pathogenicity and has been observed more frequently in cases with the relevant disease than in healthy populations. Please note: this variant was assessed in the context of healthy population screening.

Genomic Medicine Center of Excellence, King Faisal Specialist Hospital and Research Centre
Classification: Pathogenic for Mucopolysaccharidosis, MPS-III-A. Last evaluated: 2024-03-17. Review status: criteria provided, single submitter. Criteria: ACMG Guidelines, 2015. Collection method: research. Allele origin: germline.

Baylor Genetics
Classification: Likely pathogenic for Mucopolysaccharidosis, MPS-III-A. Last evaluated: 2023-11-11. Review status: criteria provided, single submitter. Criteria: ACMG Guidelines, 2015. Collection method: clinical testing. Allele origin: unknown.

Labcorp Genetics (formerly Invitae), Labcorp
Classification: Uncertain significance for Mucopolysaccharidosis, MPS-III-A. Last evaluated: 2023-01-07. Review status: criteria provided, single submitter. Criteria: Invitae Variant Classification Sherloc (09022015). Collection method: clinical testing. Allele origin: germline.
Comment: Experimental studies have shown that this missense change affects SGSH function (PMID: 10727844). In summary, the available evidence is currently insufficient to determine the role of this variant in disease. Therefore, it has been classified as a Variant of Uncertain Significance. Advanced modeling of protein sequence and biophysical properties (such as structural, functional, and spatial information, amino acid conservation, physicochemical variation, residue mobility, and thermodynamic stability) performed at Invitae indicates that this missense variant is expected to disrupt SGSH protein function. This missense change has been observed in individual(s) with mucopolysaccharidosis type III (PMID: 10727844). This variant is present in population databases (rs774773010, gnomAD 0.003%). This sequence change replaces aspartic acid, which is acidic and polar, with asparagine, which is neutral and polar, at codon 179 of the SGSH protein (p.Asp179Asn).

Literature cited by the submitters: PubMed 10727844 (cited by 3 submitters); PubMed 21204211 (cited by Natera, Inc. and Myriad Genetics, Inc.); PubMed 27629047 (cited by Natera, Inc. and Myriad Genetics, Inc.); PubMed 34991944 (cited by Natera, Inc. and Myriad Genetics, Inc.); PubMed 9554748 (cited by Myriad Genetics, Inc.).

NM_000199.5(SGSH):c.535G>A (p.Asp179Asn)

Gene: SGSH (N-sulfoglucosamine sulfohydrolase; minus strand). Cytogenetic location: 17q25.3.
Variant type: single nucleotide variant.
Coding change: c.535G>A on transcript NM_000199.5 (MANE Select); coding-DNA position 535, G replaced by A.
Protein change: p.Asp179Asn; replaces aspartic acid 179 with asparagine.
Molecular consequence: missense variant. On other transcripts: non-coding transcript variant (1).
Genome position (GRCh38, 1-based): chr17:80,214,300, C>T on the plus strand (G>A on the coding strand, the complement: SGSH is on the minus strand). VCF-style: chr17-80214300-C-T. GRCh37 (hg19) VCF-style: chr17-78188099-C-T.
Other names: c.535G>A (NM_000199.4); c.535G>A, p.Asp179Asn (NM_001352921.3, NM_001352922.2); short protein forms D179N.
Identifiers: ClinVar variation 2138120 (VCV002138120.8), dbSNP rs774773010, ClinGen allele CA8817954.